The following is an entry in ClinVar:

ClinVar aggregate classification (germline): Conflicting classifications of pathogenicity. Review status: criteria provided, conflicting classifications (1 of 4 stars). 2 submissions from 2 submitters: Uncertain significance (1); Likely benign (1). Last evaluated 2024-02-08.

Allele frequency attached by ClinVar (database versions not stated): ExAC 0.00002; gnomAD 0.00002 and 0.00005; gnomAD exomes 0.00002; TOPMed 0.00004.
gnomAD v4.1: 20 of 1,209,389 alleles (0.0017%); highest among the groups gnomAD compares: East Asian, 0.015%; no homozygotes.

Submissions (2):

Labcorp Genetics (formerly Invitae), Labcorp
Classification: Likely benign. Last evaluated: 2024-02-08. Review status: criteria provided, single submitter. Criteria: Invitae Variant Classification Sherloc (09022015). Collection method: clinical testing. Allele origin: germline.

Women's Health and Genetics/Laboratory Corporation of America, LabCorp
Classification: Uncertain significance. Last evaluated: 2023-04-25. Review status: criteria provided, single submitter. Criteria: LabCorp Variant Classification Summary - May 2015. Collection method: clinical testing. Allele origin: germline.
Comment: Variant summary: COL4A5 c.4532G>A (p.Arg1511His) results in a non-conservative amino acid change located in the Collagen IV, non-collagenous domain (IPR001442) of the encoded protein sequence. Four of five in-silico tools predict a damaging effect of the variant on protein function. The variant allele was found at a frequency of 1.6e-05 (i.e., 3 heterozygous carriers, including 2 females and 1 male) in 182911 control chromosomes (gnomAD v2, Exomes cohort). The available data on variant occurrences in the general population are insufficient to allow any conclusion about variant significance. Therefore these data do not allow any conclusion about variant significance. At least one publication reports experimental evidence evaluating an impact on protein function, finding that the variant disrupts type IV collagen heterotrimer formation but was still found to be secreted by cells (e.g., Kobayashi_2008). The following publications have been ascertained in the context of this evaluation (PMID: 30245029, 10684360, 18083113, 32604935, 10094548, 30968591). One clinical diagnostic laboratory has submitted clinical-significance assessments for this variant to ClinVar after 2014 and classified the variant as likely benign. Based on the evidence outlined above, the variant was classified as uncertain significance.

Literature cited by the submitters: PubMed 30245029 (cited by Women's Health and Genetics/Laboratory Corporation of America, LabCorp); PubMed 32604935 (cited by Women's Health and Genetics/Laboratory Corporation of America, LabCorp); PubMed 10684360 (cited by Women's Health and Genetics/Laboratory Corporation of America, LabCorp); PubMed 18083113 (cited by Women's Health and Genetics/Laboratory Corporation of America, LabCorp); PubMed 10094548 (cited by Women's Health and Genetics/Laboratory Corporation of America, LabCorp); PubMed 30968591 (cited by Women's Health and Genetics/Laboratory Corporation of America, LabCorp).

NM_033380.3(COL4A5):c.4550G>A (p.Arg1517His)

Gene: COL4A5 (collagen type IV alpha 5 chain; plus strand). Cytogenetic location: Xq22.3.
Variant type: single nucleotide variant.
Coding change: c.4550G>A on transcript NM_033380.3 (MANE Select); coding-DNA position 4550, G replaced by A.
Protein change: p.Arg1517His; replaces arginine 1517 with histidine.
Molecular consequence: missense variant.
Genome position (GRCh38, 1-based): chrX:108,692,769, G>A. VCF-style: chrX-108692769-G-A. GRCh37 (hg19) VCF-style: chrX-107935999-G-A.
Other names: c.4532G>A, p.Arg1511His (NM_000495.5); short protein forms R1511H, R1517H.
Identifiers: ClinVar variation 1586506 (VCV001586506.7), dbSNP rs104886285, ClinGen allele CA259063.